The following is an entry in ClinVar:

NM_004415.4(DSP):c.4894G>A (p.Asp1632Asn)

Gene: DSP (desmoplakin; plus strand). Cytogenetic location: 6p24.3.
Variant type: single nucleotide variant.
Coding change: c.4894G>A on transcript NM_004415.4 (MANE Select); coding-DNA position 4894, G replaced by A.
Protein change: p.Asp1632Asn; replaces aspartic acid 1632 with asparagine.
Molecular consequence: missense variant. On other transcripts: intron variant (2).
Genome position (GRCh38, 1-based): chr6:7,581,084, G>A. VCF-style: chr6-7581084-G-A. GRCh37 (hg19) VCF-style: chr6-7581317-G-A.
Other names: c.4050+844G>A (NM_001319034.2); c.3582+1312G>A (NM_001008844.3); short protein forms D1632N.
Identifiers: ClinVar variation 922203 (VCV000922203.12), dbSNP rs747279731, ClinGen allele CA043270.

ClinVar aggregate classification (germline): Uncertain significance. Review status: criteria provided, multiple submitters, no conflicts (2 of 4 stars). 4 submissions from 4 submitters: Uncertain significance (4). Last evaluated 2025-12-02.

Conditions:
Arrhythmogenic right ventricular dysplasia 8 (ARVD8). Also called: Arrhythmogenic Right Ventricular Dysplasia/Cardiomyopathy 8; ARRHYTHMOGENIC RIGHT VENTRICULAR DYSPLASIA, FAMILIAL, 8; ARRHYTHMOGENIC RIGHT VENTRICULAR CARDIOMYOPATHY 8. Identifiers: MedGen C1843896, MONDO:0011831, OMIM 607450.
Arrhythmogenic cardiomyopathy with wooly hair and keratoderma. Also called: PALMOPLANTAR KERATODERMA WITH LEFT VENTRICULAR CARDIOMYOPATHY AND WOOLLY HAIR; Carvajal syndrome; Dilated cardiomyopathy with woolly hair and keratoderma; Arrhythmogenic cardiomyopathy with woolly hair and keratoderma. Identifiers: Orphanet 65282, MedGen C1854063, MONDO:0011581, OMIM 605676.
Cardiomyopathy (CMYO). Also called: Cardiomyopathies. Identifiers: Orphanet 167848, MedGen C0878544, MONDO:0004994, HP:0001638. Inheritance: Various modes of inheritance.
Cardiovascular phenotype. Identifiers: MedGen CN230736.

gnomAD v4.1: 35 of 1,614,058 alleles (0.0022%); highest among the groups gnomAD compares: Non-Finnish European, 0.003%; no homozygotes.

Submissions (4):

Labcorp Genetics (formerly Invitae), Labcorp
Classification: Uncertain significance for Arrhythmogenic cardiomyopathy with wooly hair and keratoderma; Arrhythmogenic right ventricular dysplasia 8. Last evaluated: 2025-12-02. Review status: criteria provided, single submitter. Criteria: Invitae Variant Classification Sherloc (09022015). Collection method: clinical testing. Allele origin: germline.
Comment: This sequence change replaces aspartic acid, which is acidic and polar, with asparagine, which is neutral and polar, at codon 1632 of the DSP protein (p.Asp1632Asn). This variant is present in population databases (rs747279731, gnomAD 0.002%). This variant has not been reported in the literature in individuals affected with DSP-related conditions. ClinVar contains an entry for this variant (Variation ID: 922203). An algorithm developed to predict the effect of missense changes on protein structure and function (PolyPhen-2) suggests that this variant is likely to be tolerated. In summary, the available evidence is currently insufficient to determine the role of this variant in disease. Therefore, it has been classified as a Variant of Uncertain Significance.

GeneDx
Classification: Uncertain significance. Last evaluated: 2025-03-17. Review status: criteria provided, single submitter. Criteria: GeneDx Variant Classification Process June 2021. Collection method: clinical testing. Allele origin: germline. Affected: yes.
Comment: Not observed at significant frequency in large population cohorts (gnomAD); In silico analysis supports that this missense variant has a deleterious effect on protein structure/function; Has not been previously published as pathogenic or benign to our knowledge

Color Diagnostics, LLC DBA Color Health
Classification: Uncertain significance for Cardiomyopathy. Last evaluated: 2024-03-06. Review status: criteria provided, single submitter. Criteria: ACMG Guidelines, 2015. Collection method: clinical testing. Allele origin: germline.
Comment: This missense variant replaces aspartic acid with asparagine at codon 1632 of the DSP protein. Computational prediction suggests that this variant may not impact protein structure and function (internally defined REVEL score threshold <= 0.5, PMID: 27666373). To our knowledge, functional studies have not been reported for this variant. This variant has not been reported in individuals affected with DSP-related disorders in the literature. This variant has been identified in 2/249862 chromosomes in the general population by the Genome Aggregation Database (gnomAD). The available evidence is insufficient to determine the role of this variant in disease conclusively. Therefore, this variant is classified as a Variant of Uncertain Significance.

Ambry Genetics
Classification: Uncertain significance for Cardiovascular phenotype. Last evaluated: 2022-02-20. Review status: criteria provided, single submitter. Criteria: Ambry Variant Classification Scheme 2023. Collection method: clinical testing. Allele origin: germline.
Comment: The p.D1632N variant (also known as c.4894G>A), located in coding exon 23 of the DSP gene, results from a G to A substitution at nucleotide position 4894. The aspartic acid at codon 1632 is replaced by asparagine, an amino acid with highly similar properties. This amino acid position is well conserved in available vertebrate species. In addition, this alteration is predicted to be tolerated by in silico analysis. Since supporting evidence is limited at this time, the clinical significance of this alteration remains unclear.